The following is an entry in ClinVar:

ClinVar aggregate classification (germline): Uncertain significance (1 of 4 stars; one submission).

Submission:

Labcorp Genetics (formerly Invitae), Labcorp
Classification: Uncertain significance. Last evaluated: 2021-12-30. Review status: criteria provided, single submitter. Criteria: Invitae Variant Classification Sherloc (09022015). Collection method: clinical testing. Allele origin: germline.
Comment: In summary, the available evidence is currently insufficient to determine the role of this variant in disease. Therefore, it has been classified as a Variant of Uncertain Significance. Algorithms developed to predict the effect of missense changes on protein structure and function are either unavailable or do not agree on the potential impact of this missense change (SIFT: "Deleterious"; PolyPhen-2: "Probably Damaging"; Align-GVGD: "Class C0"). This variant has not been reported in the literature in individuals affected with ASPM-related conditions. This variant is not present in population databases (gnomAD no frequency). This sequence change replaces glutamine, which is neutral and polar, with histidine, which is basic and polar, at codon 2488 of the ASPM protein (p.Gln2488His).

NM_018136.5(ASPM):c.7464G>T (p.Gln2488His)

Gene: ASPM (assembly factor for spindle microtubules; minus strand). Cytogenetic location: 1q31.3.
Variant type: single nucleotide variant.
Coding change: c.7464G>T on transcript NM_018136.5 (MANE Select); coding-DNA position 7464, G replaced by T.
Protein change: p.Gln2488His; replaces glutamine 2488 with histidine.
Molecular consequence: missense variant. On other transcripts: intron variant (1).
Genome position (GRCh38, 1-based): chr1:197,101,787, C>A on the plus strand (G>T on the coding strand, the complement: ASPM is on the minus strand). VCF-style: chr1-197101787-C-A. GRCh37 (hg19) VCF-style: chr1-197070917-C-A.
Other names: c.4066-5623G>T (NM_001206846.2); short protein forms Q2488H.
Identifiers: ClinVar variation 2066701 (VCV002066701.4), dbSNP rs778575644, ClinGen allele CA344018843.
Genomic context (GRCh38, chr1:197,101,787, plus strand): 5'-AATTGAAGCATGTTTCCAAGTCTGAAATGTAATATATGTTCTGTACATCCTGAAAGTAGC[C>A]TGAATGAGAACTGCAGCCCTTTGCATTTCTTGTAACTTCTTCTTTACCATCAGTCTTCTG-3'
Protein context (NP_060606.3, residues 2478-2498): QEMQRAAVLI[Gln2488His]ATFRMYRTYI